The following is an entry in ClinVar:

ClinVar aggregate classification (germline): Conflicting classifications of pathogenicity. Review status: criteria provided, conflicting classifications (1 of 4 stars). 3 submissions from 3 submitters: Uncertain significance (2); Likely benign (1). Last evaluated 2026-02-25.

Conditions:
Cardiovascular phenotype. Identifiers: MedGen CN230736.

Allele frequency attached by ClinVar (database versions not stated): gnomAD exomes below 0.00001 and 0.00001; gnomAD 0.00002 and 0.00003; TOPMed 0.00002; ESP Exome Variant Server 0.00008; ExAC 0.00001.
gnomAD v4.1: 6 of 1,613,552 alleles (0.00037%); highest among the groups gnomAD compares: African/African-American, 0.0067%; no homozygotes.

Submissions (3):

GeneDx
Classification: Uncertain significance. Last evaluated: 2026-02-25. Review status: criteria provided, single submitter. Criteria: GeneDx Variant Classification Process June 2021. Collection method: clinical testing. Allele origin: germline.
Comment: Not observed at significant frequency in large population cohorts (gnomAD); In silico analysis suggests that this missense variant does not alter protein structure/function; Has not been previously published as pathogenic or benign to our knowledge

Labcorp Genetics (formerly Invitae), Labcorp
Classification: Uncertain significance. Last evaluated: 2025-11-16. Review status: criteria provided, single submitter. Criteria: Invitae Variant Classification Sherloc (09022015). Collection method: clinical testing. Allele origin: germline.
Comment: This sequence change replaces alanine, which is neutral and non-polar, with valine, which is neutral and non-polar, at codon 774 of the ALPK3 protein (p.Ala774Val). This variant is present in population databases (rs373204179, gnomAD 0.02%). This variant has not been reported in the literature in individuals affected with ALPK3-related conditions. ClinVar contains an entry for this variant (Variation ID: 1366641). Invitae Evidence Modeling of protein sequence and biophysical properties (such as structural, functional, and spatial information, amino acid conservation, physicochemical variation, residue mobility, and thermodynamic stability) indicates that this missense variant is not expected to disrupt ALPK3 protein function with a negative predictive value of 80%. In summary, the available evidence is currently insufficient to determine the role of this variant in disease. Therefore, it has been classified as a Variant of Uncertain Significance.

Ambry Genetics
Classification: Likely benign for Cardiovascular phenotype. Last evaluated: 2021-09-30. Review status: criteria provided, single submitter. Criteria: Ambry Variant Classification Scheme 2023. Collection method: clinical testing. Allele origin: germline.

NM_020778.5(ALPK3):c.1715C>T (p.Ala572Val)

Gene: ALPK3 (alpha kinase 3; plus strand). Cytogenetic location: 15q25.3.
Variant type: single nucleotide variant.
Coding change: c.1715C>T on transcript NM_020778.5 (MANE Select); coding-DNA position 1715, C replaced by T.
Protein change: p.Ala572Val; replaces alanine 572 with valine.
Molecular consequence: missense variant.
Genome position (GRCh38, 1-based): chr15:84,856,453, C>T. VCF-style: chr15-84856453-C-T. GRCh37 (hg19) VCF-style: chr15-85399684-C-T.
Other names: short protein forms A572V.
Identifiers: ClinVar variation 1366641 (VCV001366641.9), dbSNP rs373204179, ClinGen allele CA7709279.